The following is an entry in ClinVar:

NM_001242896.3(DEPDC5):c.2342C>G (p.Ala781Gly)

Gene: DEPDC5 (DEP domain containing 5, GATOR1 subcomplex subunit; plus strand). Cytogenetic location: 22q12.3.
Variant type: single nucleotide variant.
Coding change: c.2342C>G on transcript NM_001242896.3 (MANE Select); coding-DNA position 2342, C replaced by G.
Protein change: p.Ala781Gly; replaces alanine 781 with glycine.
Molecular consequence: missense variant. On other transcripts: non-coding transcript variant (5).
Genome position (GRCh38, 1-based): chr22:31,837,143, C>G. VCF-style: chr22-31837143-C-G. GRCh37 (hg19) VCF-style: chr22-32233129-C-G.
Other names: c.2315C>G, p.Ala772Gly (NM_001136029.4, NM_001369903.1, NM_014662.6); c.2108C>G, p.Ala703Gly (NM_001242897.2, NM_001363854.2, NM_001364319.2); c.2342C>G, p.Ala781Gly (NM_001363852.2, NM_001364318.2, NM_001364320.2); c.2258C>G, p.Ala753Gly (NM_001369901.1, NM_001369902.1); short protein forms A753G, A772G, A703G, A781G.
Identifiers: ClinVar variation 4722286 (VCV004722286.1).

ClinVar aggregate classification (germline): Uncertain significance (1 of 4 stars; one submission).

Conditions:
Familial focal epilepsy with variable foci (FPEVF). Identifiers: Orphanet 98820, MedGen C1858477, MONDO:0020310.

gnomAD v4.1: 2 of 1,614,098 alleles (0.00012%); highest among the groups gnomAD compares: South Asian, 0.0022%; no homozygotes.

Submission:

Labcorp Genetics (formerly Invitae), Labcorp
Classification: Uncertain significance for Familial focal epilepsy with variable foci. Last evaluated: 2025-06-30. Review status: criteria provided, single submitter. Criteria: Invitae Variant Classification Sherloc (09022015). Collection method: clinical testing. Allele origin: germline.
Comment: This sequence change replaces alanine, which is neutral and non-polar, with glycine, which is neutral and non-polar, at codon 781 of the DEPDC5 protein (p.Ala781Gly). This variant is not present in population databases (gnomAD no frequency). This variant has not been reported in the literature in individuals affected with DEPDC5-related conditions. Experimental studies and prediction algorithms are not available or were not evaluated, and the functional significance of this variant is currently unknown. In summary, the available evidence is currently insufficient to determine the role of this variant in disease. Therefore, it has been classified as a Variant of Uncertain Significance.